The following is an entry in ClinVar:

ClinVar aggregate classification (germline): Uncertain significance (1 of 4 stars; one submission).

Conditions:
NEXMIF-related disorder. Also called: NEXMIF-related condition.

Submission:

PreventionGenetics, part of Exact Sciences
Classification: Uncertain significance for NEXMIF-related condition. Last evaluated: 2025-04-24. Review status: criteria provided, single submitter. Criteria: ACMG Guidelines, 2015. Collection method: clinical testing. Allele origin: germline.
Comment: The NEXMIF c.37G>C variant is predicted to result in the amino acid substitution p.Ala13Pro. To our knowledge, this variant has not been reported in the literature or in a large population database (gnomAD), indicating this variant is rare. At this time, the clinical significance of this variant is uncertain due to the absence of conclusive functional and genetic evidence.

NM_001008537.3(NEXMIF):c.37G>C (p.Ala13Pro)

Gene: NEXMIF (neurite extension and migration factor; minus strand). Cytogenetic location: Xq13.3.
Variant type: single nucleotide variant.
Coding change: c.37G>C on transcript NM_001008537.3 (MANE Select); coding-DNA position 37, G replaced by C.
Protein change: p.Ala13Pro; replaces alanine 13 with proline.
Molecular consequence: missense variant.
Genome position (GRCh38, 1-based): chrX:74,745,614, C>G on the plus strand (G>C on the coding strand, the complement: NEXMIF is on the minus strand). VCF-style: chrX-74745614-C-G. GRCh37 (hg19) VCF-style: chrX-73965449-C-G.
Other names: short protein forms A13P.
Identifiers: ClinVar variation 5001821 (VCV005001821.1).